The following is an entry in ClinVar:

ClinVar aggregate classification (germline): Conflicting classifications of pathogenicity. Review status: criteria provided, conflicting classifications (1 of 4 stars). 4 submissions from 4 submitters: Uncertain significance (1); Benign (2). 1 of the submissions does not count toward it. Last evaluated 2026-02-01.

Conditions:
Roberts-SC phocomelia syndrome (RBS). Also called: LONG BONE DEFICIENCIES ASSOCIATED WITH CLEFT LIP-PALATE; Hypomelia hypotrichosis facial hemangioma syndrome; ESCO2 Spectrum Disorder; Pseudothalidomide syndrome; Appelt-Gerken-Lenz syndrome. Identifiers: Orphanet 3103, MedGen C0392475, MONDO:0100253, OMIM 268300.
Hereditary breast ovarian cancer syndrome. Also called: Hereditary breast and ovarian cancer; Breast and ovarian cancer; BRCA1- and BRCA2-Associated Hereditary Breast and Ovarian Cancer; Hereditary breast and/or ovarian cancer syndrome; Hereditary breast and ovarian cancer syndrome; Hereditary breast and ovarian cancer syndrome (HBOC). Identifiers: Orphanet 145, MedGen C0677776, MeSH D061325, MONDO:0003582. Disease mechanism: loss of function.

Allele frequency attached by ClinVar (database versions not stated): TOPMed 0.00456; ESP Exome Variant Server 0.00492; 1000 Genomes Project 30x 0.00515; 1000 Genomes Project 0.00519; gnomAD exomes 0.00046 and 0.00105; ExAC 0.00119; gnomAD 0.00393 and 0.00421.
gnomAD v4.1: 1,279 of 1,613,980 alleles (0.079%); highest among the groups gnomAD compares: African/African-American, 1.6%; 12 homozygotes.

Submissions (4):

Labcorp Genetics (formerly Invitae), Labcorp
Classification: Benign. Last evaluated: 2026-02-01. Review status: criteria provided, single submitter. Criteria: Invitae Variant Classification Sherloc (09022015). Collection method: clinical testing. Allele origin: germline.

Molecular Oncology Research Center, Barretos Cancer Hospital
Classification: Uncertain significance for Hereditary breast ovarian cancer syndrome. Last evaluated: 2020-08-01. Review status: criteria provided, single submitter. Criteria: ACMG Guidelines, 2015. Collection method: research. Allele origin: germline. Affected: yes. Observed: 1 variant allele.

Illumina Laboratory Services, Illumina
Classification: Benign for Roberts-SC phocomelia syndrome. Last evaluated: 2018-01-13. Review status: criteria provided, single submitter. Criteria: ICSL Variant Classification Criteria 13 December 2019. Collection method: clinical testing. Allele origin: germline.
Comment: This variant was observed in the ICSL laboratory as part of a predisposition screen in an ostensibly healthy population. It had not been previously curated by ICSL or reported in the Human Gene Mutation Database (HGMD: prior to June 1st, 2018), and was therefore a candidate for classification through an automated scoring system. Utilizing variant allele frequency, disease prevalence and penetrance estimates, and inheritance mode, an automated score was calculated to assess if this variant is too frequent to cause the disease. Based on the score and internal cut-off values, a variant classified as benign is not then subjected to further curation. The score for this variant resulted in a classification of benign for this disease.

Natera, Inc.
Classification: Benign for Roberts syndrome. Last evaluated: 2020-01-06. Review status: no assertion criteria provided. Collection method: clinical testing. Allele origin: germline. Not counted in ClinVar's aggregate classification.

NM_001017420.3(ESCO2):c.1735C>A (p.Pro579Thr)

Gene: ESCO2 (establishment of sister chromatid cohesion N-acetyltransferase 2; plus strand). Cytogenetic location: 8p21.1.
Variant type: single nucleotide variant.
Coding change: c.1735C>A on transcript NM_001017420.3 (MANE Select); coding-DNA position 1735, C replaced by A.
Protein change: p.Pro579Thr; replaces proline 579 with threonine.
Molecular consequence: missense variant.
Genome position (GRCh38, 1-based): chr8:27,803,367, C>A. VCF-style: chr8-27803367-C-A. GRCh37 (hg19) VCF-style: chr8-27660884-C-A.
Other names: short protein forms P579T.
Identifiers: ClinVar variation 362745 (VCV000362745.17), dbSNP rs115144373, ClinGen allele CA4692388.